The following is an entry in ClinVar:

NM_005228.5(EGFR):c.3043G>A (p.Glu1015Lys)

Gene: EGFR (epidermal growth factor receptor; plus strand). Cytogenetic location: 7p11.2.
Variant type: single nucleotide variant.
Coding change: c.3043G>A on transcript NM_005228.5 (MANE Select); coding-DNA position 3043, G replaced by A.
Protein change: p.Glu1015Lys; replaces glutamic acid 1015 with lysine.
Molecular consequence: missense variant.
Genome position (GRCh38, 1-based): chr7:55,201,284, G>A. VCF-style: chr7-55201284-G-A. GRCh37 (hg19) VCF-style: chr7-55268977-G-A.
Other names: c.3043G>A (NM_005228.3); c.2908G>A, p.Glu970Lys (NM_001346897.2, NM_001346899.2); c.3043G>A, p.Glu1015Lys (NM_001346898.2); c.2884G>A, p.Glu962Lys (NM_001346900.2); c.2242G>A, p.Glu748Lys (NM_001346941.2); short protein forms E748K, E1015K, E970K, E962K.
Identifiers: ClinVar variation 1405169 (VCV001405169.7), dbSNP rs1302295057, ClinGen allele CA367582544.

ClinVar aggregate classification (germline): Uncertain significance. Review status: criteria provided, multiple submitters, no conflicts (2 of 4 stars). 2 submissions from 2 submitters: Uncertain significance (2). Last evaluated 2025-01-13.

Conditions:
EGFR-related lung cancer (EGFR). Identifiers: MedGen CN130014.
Hereditary cancer-predisposing syndrome. Also called: Hereditary neoplastic syndrome; Hereditary Cancer Syndrome; Neoplastic Syndromes, Hereditary; Tumor predisposition. Identifiers: Orphanet 140162, MedGen C0027672, MeSH D009386, MONDO:0015356.

Allele frequency attached by ClinVar (database versions not stated): gnomAD exomes below 0.00001 and 0.00004; TOPMed below 0.00001; gnomAD 0.00001.
gnomAD v4.1: 57 of 1,614,116 alleles (0.0035%); highest among the groups gnomAD compares: Non-Finnish European, 0.0045%; no homozygotes.

Submissions (2):

Ambry Genetics
Classification: Uncertain significance for Hereditary cancer-predisposing syndrome. Last evaluated: 2025-01-13. Review status: criteria provided, single submitter. Criteria: Ambry Variant Classification Scheme 2023. Collection method: clinical testing. Allele origin: germline.
Comment: The p.E1015K variant (also known as c.3043G>A), located in coding exon 25 of the EGFR gene, results from a G to A substitution at nucleotide position 3043. The glutamic acid at codon 1015 is replaced by lysine, an amino acid with similar properties. This amino acid position is highly conserved in available vertebrate species. In addition, this alteration is predicted to be deleterious by in silico analysis. Based on the available evidence, the clinical significance of this variant remains unclear.

Labcorp Genetics (formerly Invitae), Labcorp
Classification: Uncertain significance for EGFR-related lung cancer. Last evaluated: 2024-10-20. Review status: criteria provided, single submitter. Criteria: Invitae Variant Classification Sherloc (09022015). Collection method: clinical testing. Allele origin: germline.
Comment: This sequence change replaces glutamic acid, which is acidic and polar, with lysine, which is basic and polar, at codon 1015 of the EGFR protein (p.Glu1015Lys). This variant is present in population databases (no rsID available, gnomAD 0.003%). This variant has not been reported in the literature in individuals affected with EGFR-related conditions. ClinVar contains an entry for this variant (Variation ID: 1405169). Invitae Evidence Modeling of protein sequence and biophysical properties (such as structural, functional, and spatial information, amino acid conservation, physicochemical variation, residue mobility, and thermodynamic stability) indicates that this missense variant is not expected to disrupt EGFR protein function with a negative predictive value of 80%. In summary, the available evidence is currently insufficient to determine the role of this variant in disease. Therefore, it has been classified as a Variant of Uncertain Significance.